The following is an entry in ClinVar:

NM_058179.4(PSAT1):c.571-4dup

Gene: PSAT1 (phosphoserine aminotransferase 1; plus strand). Cytogenetic location: 9q21.2.
Variant type: Duplication.
Coding change: c.571-4dup on transcript NM_058179.4 (MANE Select); 4 bases into the intron before coding-DNA position 571, one base duplicated (T; older notation c.571-4dupT).
Molecular consequence: intron variant.
Genome position (GRCh38, 1-based): chr9:78,308,410, T duplicated; the last of 5 consecutive T bases (chr9:78,308,406-78,308,410); duplicating any one gives the same sequence. VCF-style (leftmost placement, unchanged base first): chr9-78308405-C-CT. GRCh37 (hg19) VCF-style: chr9-80923321-C-CT.
Other names: c.571-4dup (NM_021154.5).
Identifiers: ClinVar variation 367457 (VCV000367457.21), dbSNP rs536197677, ClinGen allele CA5095665.

ClinVar aggregate classification (germline): Benign/Likely benign. Review status: criteria provided, multiple submitters, no conflicts (2 of 4 stars). 5 submissions from 5 submitters: Benign (1); Likely benign (1). 3 of the submissions do not count toward it. Last evaluated 2026-01-28.

Conditions:
Neu-Laxova syndrome 2. Identifiers: Orphanet 2671, Orphanet 583602, MedGen C4015019, MONDO:0014466, OMIM 616038.
PSAT1-related disorder. Also called: PSAT1-related condition; PSAT1-related disorders.

Submissions (5):

Labcorp Genetics (formerly Invitae), Labcorp
Classification: Benign for Neu-Laxova syndrome 2. Last evaluated: 2026-01-28. Review status: criteria provided, single submitter. Criteria: Invitae Variant Classification Sherloc (09022015). Collection method: clinical testing. Allele origin: germline.

Blueprint Genetics
Classification: Likely benign. Last evaluated: 2024-11-07. Review status: criteria provided, single submitter. Criteria: ACMG Guidelines, 2015. Collection method: clinical testing. Allele origin: germline.

PreventionGenetics, part of Exact Sciences
Classification: Likely benign for PSAT1-related condition. Last evaluated: 2022-06-18. Review status: no assertion criteria provided. Collection method: clinical testing. Allele origin: germline. Not counted in ClinVar's aggregate classification.
Comment: This variant is classified as likely benign based on ACMG/AMP sequence variant interpretation guidelines (Richards et al. 2015 PMID: 25741868, with internal and published modifications).

Diagnostic Laboratory, Department of Genetics, University Medical Center Groningen
Classification: Likely benign. Review status: no assertion criteria provided. Collection method: clinical testing. Allele origin: germline. Affected: yes. Study: VKGL Data-share Consensus. Not counted in ClinVar's aggregate classification.

Genome Diagnostics Laboratory, University Medical Center Utrecht
Classification: Likely benign. Review status: no assertion criteria provided. Collection method: clinical testing. Allele origin: germline. Affected: yes. Study: VKGL Data-share Consensus. Not counted in ClinVar's aggregate classification.